The following is an entry in ClinVar:

ClinVar aggregate classification (germline): Uncertain significance (1 of 4 stars; one submission).

Conditions:
Hereditary cancer-predisposing syndrome. Also called: Tumor predisposition; Neoplastic Syndromes, Hereditary; Hereditary neoplastic syndrome; Hereditary Cancer Syndrome. Identifiers: Orphanet 140162, MedGen C0027672, MeSH D009386, MONDO:0015356.

Submission:

Ambry Genetics
Classification: Uncertain significance for Hereditary cancer-predisposing syndrome. Last evaluated: 2025-07-28. Review status: criteria provided, single submitter. Criteria: Ambry Variant Classification Scheme 2023. Collection method: clinical testing. Allele origin: germline.
Comment: The p.E924D variant (also known as c.2772G>T), located in coding exon 11 of the MET gene, results from a G to T substitution at nucleotide position 2772. The glutamic acid at codon 924 is replaced by aspartic acid, an amino acid with highly similar properties. This amino acid position is conserved. In addition, this alteration is predicted to be tolerated by in silico analysis. Based on the available evidence, the clinical significance of this variant remains unclear.

NM_000245.4(MET):c.2718G>T (p.Glu906Asp)

Gene: MET (MET proto-oncogene, receptor tyrosine kinase; plus strand). Cytogenetic location: 7q31.2.
Variant type: single nucleotide variant.
Coding change: c.2718G>T on transcript NM_000245.4 (MANE Select); coding-DNA position 2718, G replaced by T.
Protein change: p.Glu906Asp; replaces glutamic acid 906 with aspartic acid.
Molecular consequence: missense variant.
Genome position (GRCh38, 1-based): chr7:116,769,779, G>T. VCF-style: chr7-116769779-G-T. GRCh37 (hg19) VCF-style: chr7-116409833-G-T.
Other names: c.2772G>T, p.Glu924Asp (NM_001127500.3); c.2718G>T, p.Glu906Asp (NM_001324401.3); c.1428G>T, p.Glu476Asp (NM_001324402.2); short protein forms E906D, E924D, E476D.
Identifiers: ClinVar variation 4106721 (VCV004106721.1).